The following is an entry in ClinVar:

NM_001371904.1(APOA5):c.43C>T (p.Leu15Phe)

Genes: APOA5 (apolipoprotein A5; minus strand), LOC108491825 (enhancer-blocking element 11-1-2 overlapping APOA5; plus strand). Cytogenetic location: 11q23.3.
Variant type: single nucleotide variant.
Coding change: c.43C>T on transcript NM_001371904.1 (MANE Select); coding-DNA position 43, C replaced by T.
Protein change: p.Leu15Phe; replaces leucine 15 with phenylalanine.
Molecular consequence: missense variant.
Genome position (GRCh38, 1-based): chr11:116,791,818, G>A on the plus strand (C>T on the coding strand, the complement: APOA5 is on the minus strand). VCF-style: chr11-116791818-G-A. GRCh37 (hg19) VCF-style: chr11-116662534-G-A.
Other names: c.43C>T, p.Leu15Phe (NM_001166598.2, NM_052968.5); short protein forms L15F.
Identifiers: ClinVar variation 2813598 (VCV002813598.3), dbSNP rs2540246640, ClinGen allele CA382741382.

ClinVar aggregate classification (germline): Uncertain significance (1 of 4 stars; one submission).

Submission:

Labcorp Genetics (formerly Invitae), Labcorp
Classification: Uncertain significance. Last evaluated: 2023-11-13. Review status: criteria provided, single submitter. Criteria: Invitae Variant Classification Sherloc (09022015). Collection method: clinical testing. Allele origin: germline.
Comment: This sequence change replaces leucine, which is neutral and non-polar, with phenylalanine, which is neutral and non-polar, at codon 15 of the APOA5 protein (p.Leu15Phe). This variant is not present in population databases (gnomAD no frequency). This variant has not been reported in the literature in individuals affected with APOA5-related conditions. Algorithms developed to predict the effect of missense changes on protein structure and function output the following: SIFT: "Not Available"; PolyPhen-2: "Benign"; Align-GVGD: "Not Available". The phenylalanine amino acid residue is found in multiple mammalian species, which suggests that this missense change does not adversely affect protein function. In summary, the available evidence is currently insufficient to determine the role of this variant in disease. Therefore, it has been classified as a Variant of Uncertain Significance.